The following is an entry in ClinVar:

ClinVar aggregate classification (germline): Uncertain significance. Review status: criteria provided, multiple submitters, no conflicts (2 of 4 stars). 2 submissions from 2 submitters: Uncertain significance (2). Last evaluated 2024-11-15.

Conditions:
Inborn genetic diseases. Identifiers: MedGen C0950123, MeSH D030342.
CHARGE syndrome (CHARGE). Also called: Hittner Hirsch Kreh syndrome; CHARGE ASSOCIATION--COLOBOMA, HEART ANOMALY, CHOANAL ATRESIA, RETARDATION, GENITAL AND EAR ANOMALIES; Coloboma, heart anomaly, choanal atresia, retardation, genital and ear anomalies; CHARGE association; Hall-Hittner syndrome. Identifiers: Orphanet 138, MedGen C0265354, MONDO:0008965.

Allele frequency attached by ClinVar (database versions not stated): gnomAD exomes below 0.00001; TOPMed below 0.00001.
gnomAD v4.1: 1 of 1,613,552 alleles (0.000062%); highest among the groups gnomAD compares: Non-Finnish European, 0.000085%; no homozygotes.

Submissions (2):

Ambry Genetics
Classification: Uncertain significance for Inborn genetic diseases. Last evaluated: 2024-11-15. Review status: criteria provided, single submitter. Criteria: Ambry Variant Classification Scheme 2023. Collection method: clinical testing. Allele origin: germline.

Labcorp Genetics (formerly Invitae), Labcorp
Classification: Uncertain significance for CHARGE syndrome. Last evaluated: 2021-06-20. Review status: criteria provided, single submitter. Criteria: Invitae Variant Classification Sherloc (09022015). Collection method: clinical testing. Allele origin: germline.
Comment: In summary, the available evidence is currently insufficient to determine the role of this variant in disease. Therefore, it has been classified as a Variant of Uncertain Significance. Advanced modeling of protein sequence and biophysical properties (such as structural, functional, and spatial information, amino acid conservation, physicochemical variation, residue mobility, and thermodynamic stability) performed at Invitae indicates that this missense variant is not expected to disrupt CHD7 protein function. This variant has not been reported in the literature in individuals with CHD7-related conditions. This variant is not present in population databases (ExAC no frequency). This sequence change replaces threonine with alanine at codon 513 of the CHD7 protein (p.Thr513Ala). The threonine residue is highly conserved and there is a small physicochemical difference between threonine and alanine.

NM_017780.4(CHD7):c.1537A>G (p.Thr513Ala)

Gene: CHD7 (chromodomain helicase DNA binding protein 7; plus strand). Cytogenetic location: 8q12.2.
Variant type: single nucleotide variant.
Coding change: c.1537A>G on transcript NM_017780.4 (MANE Select); coding-DNA position 1537, A replaced by G.
Protein change: p.Thr513Ala; replaces threonine 513 with alanine.
Molecular consequence: missense variant.
Genome position (GRCh38, 1-based): chr8:60,742,969, A>G. VCF-style: chr8-60742969-A-G. GRCh37 (hg19) VCF-style: chr8-61655528-A-G.
Other names: c.1537A>G, p.Thr513Ala (NM_001316690.1); c.1537A>G (NM_017780.3); short protein forms T513A.
Identifiers: ClinVar variation 1377379 (VCV001377379.9), dbSNP rs957224882, ClinGen allele CA177313604.
Genomic context (GRCh38, chr8:60,742,969, plus strand): 5'-GAACGACTGATACCTGGCCAACAACATCCTGGTCAACAGCCATCTTTTCAGCAGTTGCCA[A>G]CCTGTCCTCCACTGCAGCCTCACCCGGGCTTGCACCACCAGTCTTCACCTCCACACCCTC-3'
Protein context (NP_060250.2, residues 503-523): GQQPSFQQLP[Thr513Ala]CPPLQPHPGL